The following is an entry in ClinVar:

ClinVar aggregate classification (germline): Uncertain significance. Review status: criteria provided, multiple submitters, no conflicts (2 of 4 stars). 2 submissions from 2 submitters: Uncertain significance (2). Last evaluated 2026-05-21.

Conditions:
Hereditary cancer-predisposing syndrome. Also called: Neoplastic Syndromes, Hereditary; Tumor predisposition; Hereditary Cancer Syndrome; Hereditary neoplastic syndrome. Identifiers: Orphanet 140162, MedGen C0027672, MeSH D009386, MONDO:0015356.
Birt-Hogg-Dube syndrome. Also called: Birt Hogg Dubé syndrome. Identifiers: Orphanet 122, MedGen C0346010, MONDO:0800444.

Allele frequency attached by ClinVar (database versions not stated): TOPMed 0.00001.

Submissions (2):

Ambry Genetics
Classification: Uncertain significance for Hereditary cancer-predisposing syndrome. Last evaluated: 2026-05-21. Review status: criteria provided, single submitter. Criteria: Ambry Variant Classification Scheme 2023. Collection method: clinical testing. Allele origin: germline.
Comment: The p.K377N variant (also known as c.1131A>C), located in coding exon 7 of the FLCN gene, results from an A to C substitution at nucleotide position 1131. The lysine at codon 377 is replaced by asparagine, an amino acid with similar properties. This amino acid position is not well conserved in available vertebrate species. In addition, the in silico prediction for this alteration is inconclusive. Based on the available evidence, the clinical significance of this variant remains unclear.

Labcorp Genetics (formerly Invitae), Labcorp
Classification: Uncertain significance for Birt-Hogg-Dube syndrome. Last evaluated: 2024-02-15. Review status: criteria provided, single submitter. Criteria: Invitae Variant Classification Sherloc (09022015). Collection method: clinical testing. Allele origin: germline.
Comment: This sequence change replaces lysine, which is basic and polar, with asparagine, which is neutral and polar, at codon 377 of the FLCN protein (p.Lys377Asn). This variant is not present in population databases (gnomAD no frequency). This variant has not been reported in the literature in individuals affected with FLCN-related conditions. ClinVar contains an entry for this variant (Variation ID: 1974875). Advanced modeling of protein sequence and biophysical properties (such as structural, functional, and spatial information, amino acid conservation, physicochemical variation, residue mobility, and thermodynamic stability) performed at Invitae indicates that this missense variant is not expected to disrupt FLCN protein function with a negative predictive value of 80%. In summary, the available evidence is currently insufficient to determine the role of this variant in disease. Therefore, it has been classified as a Variant of Uncertain Significance.

NM_144997.7(FLCN):c.1131A>C (p.Lys377Asn)

Gene: FLCN (folliculin; minus strand). Cytogenetic location: 17p11.2.
Variant type: single nucleotide variant.
Coding change: c.1131A>C on transcript NM_144997.7 (MANE Select); coding-DNA position 1131, A replaced by C.
Protein change: p.Lys377Asn; replaces lysine 377 with asparagine.
Molecular consequence: missense variant.
Genome position (GRCh38, 1-based): chr17:17,217,114, T>G on the plus strand (A>C on the coding strand, the complement: FLCN is on the minus strand). VCF-style: chr17-17217114-T-G. GRCh37 (hg19) VCF-style: chr17-17120428-T-G.
Other names: c.1185A>C, p.Lys395Asn (NM_001353229.2); c.1131A>C, p.Lys377Asn (NM_001353230.2, NM_001353231.2); short protein forms K377N, K395N.
Identifiers: ClinVar variation 1974875 (VCV001974875.6), dbSNP rs1597586862, ClinGen allele CA398532260.